The following is an entry in ClinVar:

ClinVar aggregate classification (germline): Likely benign (1 of 4 stars; one submission).

Submission:

CeGaT Center for Human Genetics Tuebingen
Classification: Likely benign. Last evaluated: 2023-10-01. Review status: criteria provided, single submitter. Criteria: CeGaT Center For Human Genetics Tuebingen Variant Classification Criteria Version 2. Collection method: clinical testing. Allele origin: germline. Affected: yes. Observed: 2 variant alleles.
Comment: DLL1: PM2:Supporting, BP4, BP7

NM_005618.4(DLL1):c.153A>C (p.Pro51=)

Gene: DLL1 (delta like canonical Notch ligand 1; minus strand). Cytogenetic location: 6q27.
Variant type: single nucleotide variant.
Coding change: c.153A>C on transcript NM_005618.4 (MANE Select); coding-DNA position 153, A replaced by C.
Protein change: p.Pro51=; no amino-acid change (proline 51 retained).
Molecular consequence: synonymous variant.
Genome position (GRCh38, 1-based): chr6:170,289,710, T>G on the plus strand (A>C on the coding strand, the complement: DLL1 is on the minus strand). VCF-style: chr6-170289710-T-G. GRCh37 (hg19) VCF-style: chr6-170598798-T-G.
Identifiers: ClinVar variation 2657157 (VCV002657157.24), dbSNP rs1483002151, ClinGen allele CA453614555.
Genomic context (GRCh38, chr6:170,289,710, plus strand): 5'-CACGCTGGCCTGGTAGTGCTTGAGGCACACGCGGAAGAAGGTCCGGCAGGCGCACGGCGG[T>G]GGCCCCGCGCCCCCGCGGCAGCAGTTGCGGTTCCCCAGCAGCCCCTTCTTGTTGACGAAC-3'
Protein context (NP_005609.3, residues 41-61): NRNCCRGGAG[Pro51=]PPCACRTFFR